The following is an entry in ClinVar:

NM_004444.5(EPHB4):c.31T>A (p.Ser11Thr)

Genes: EPHB4 (EPH receptor B4; minus strand), SLC12A9 (solute carrier family 12 member 9; plus strand). Cytogenetic location: 7q22.1.
Variant type: single nucleotide variant.
Coding change: c.31T>A on transcript NM_004444.5 (MANE Select); coding-DNA position 31, T replaced by A.
Protein change: p.Ser11Thr; replaces serine 11 with threonine.
Molecular consequence: missense variant. On other transcripts: 5 prime UTR variant (1).
Genome position (GRCh38, 1-based): chr7:100,827,000, A>T on the plus strand (T>A on the coding strand, the complement: EPHB4 is on the minus strand). VCF-style: chr7-100827000-A-T. GRCh37 (hg19) VCF-style: chr7-100424622-A-T.
Other names: c.-29A>T (NM_001363494.1); short protein forms S11T.
Identifiers: ClinVar variation 1728797 (VCV001728797.2), dbSNP rs1391140257, ClinGen allele CA368585827.

ClinVar aggregate classification (germline): Uncertain significance (1 of 4 stars; one submission).

Conditions:
Cardiovascular phenotype. Identifiers: MedGen CN230736.

Allele frequency attached by ClinVar (database versions not stated): gnomAD exomes 0.00001; gnomAD 0.00003.
gnomAD v4.1: 21 of 1,576,634 alleles (0.0013%); highest among the groups gnomAD compares: South Asian, 0.023%; no homozygotes.

Submission:

Ambry Genetics
Classification: Uncertain significance for Cardiovascular phenotype. Last evaluated: 2020-07-27. Review status: criteria provided, single submitter. Criteria: Ambry Variant Classification Scheme 2023. Collection method: clinical testing. Allele origin: germline.
Comment: The p.S11T variant (also known as c.31T>A), located in coding exon 1 of the EPHB4 gene, results from a T to A substitution at nucleotide position 31. The serine at codon 11 is replaced by threonine, an amino acid with similar properties. This amino acid position is highly conserved in available vertebrate species. In addition, this alteration is predicted to be tolerated by in silico analysis. Since supporting evidence is limited at this time, the clinical significance of this alteration remains unclear.